The following is an entry in ClinVar:

NM_001308120.2(TOGARAM1):c.3831A>G (p.Gly1277=)

Gene: TOGARAM1 (TOG array regulator of axonemal microtubules 1; plus strand). Cytogenetic location: 14q21.2.
Variant type: single nucleotide variant.
Coding change: c.3831A>G on transcript NM_001308120.2 (MANE Select); coding-DNA position 3831, A replaced by G.
Protein change: p.Gly1277=; no amino-acid change (glycine 1277 retained).
Molecular consequence: synonymous variant. On other transcripts: non-coding transcript variant (1).
Genome position (GRCh38, 1-based): chr14:45,043,704, A>G. VCF-style: chr14-45043704-A-G. GRCh37 (hg19) VCF-style: chr14-45512907-A-G.
Other names: c.3831A>G, p.Gly1277= (NM_015091.4).
Identifiers: ClinVar variation 4822443 (VCV004822443.4).

ClinVar aggregate classification (germline): Likely benign (1 of 4 stars; one submission).

gnomAD v4.1: 5 of 1,606,698 alleles (0.00031%); highest among the groups gnomAD compares: Non-Finnish European, 0.00043%; no homozygotes.

Submission:

CeGaT Center for Human Genetics Tuebingen
Classification: Likely benign. Last evaluated: 2026-01-01. Review status: criteria provided, single submitter. Criteria: CeGaT Center For Human Genetics Tuebingen Variant Classification Criteria Version 2. Collection method: clinical testing. Allele origin: germline. Affected: yes. Observed: 1 variant allele.
Comment: TOGARAM1: BP4, BP7